The following is an entry in ClinVar:

ClinVar aggregate classification (germline): Uncertain significance (1 of 4 stars; one submission).

Allele frequency attached by ClinVar (database versions not stated): gnomAD exomes below 0.00001.
gnomAD v4.1: 1 of 1,614,062 alleles (0.000062%); highest among the groups gnomAD compares: Non-Finnish European, 0.000085%; no homozygotes.

Submission:

GeneDx
Classification: Uncertain significance. Last evaluated: 2022-07-13. Review status: criteria provided, single submitter. Criteria: GeneDx Variant Classification Process June 2021. Collection method: clinical testing. Allele origin: germline. Affected: yes.
Comment: Not observed at significant frequency in large population cohorts (gnomAD); In silico analysis supports that this missense variant has a deleterious effect on protein structure/function; Has not been previously published as pathogenic or benign to our knowledge

NM_001348323.3(TRIP12):c.43C>T (p.Arg15Cys)

Gene: TRIP12 (thyroid hormone receptor interactor 12; minus strand). Cytogenetic location: 2q36.3.
Variant type: single nucleotide variant.
Coding change: c.43C>T on transcript NM_001348323.3 (MANE Select); coding-DNA position 43, C replaced by T.
Protein change: p.Arg15Cys; replaces arginine 15 with cysteine.
Molecular consequence: missense variant.
Genome position (GRCh38, 1-based): chr2:229,880,037, G>A on the plus strand (C>T on the coding strand, the complement: TRIP12 is on the minus strand). VCF-style: chr2-229880037-G-A. GRCh37 (hg19) VCF-style: chr2-230744753-G-A.
Other names: c.43C>T, p.Arg15Cys (NM_001284214.2, NM_001284215.2, NM_001284216.2 and 22 more transcripts); short protein forms R15C.
Identifiers: ClinVar variation 1878753 (VCV001878753.1), dbSNP rs2478489269, ClinGen allele CA350909276.